The following is an entry in ClinVar:

ClinVar aggregate classification (germline): Uncertain significance (1 of 4 stars; one submission).

Submission:

GeneDx
Classification: Uncertain significance. Last evaluated: 2020-01-13. Review status: criteria provided, single submitter. Criteria: GeneDx Variant Classification Process June 2021. Collection method: clinical testing. Allele origin: germline. Affected: yes.
Comment: Has not been previously published as pathogenic or benign to our knowledge; Not observed in large population cohorts (Lek et al., 2016); In silico analysis, which includes protein predictors and evolutionary conservation, supports a deleterious effect

NM_000169.3(GLA):c.220G>A (p.Glu74Lys)

Genes: GLA (galactosidase alpha; minus strand), RPL36A-HNRNPH2 (RPL36A-HNRNPH2 readthrough; plus strand). Cytogenetic location: Xq22.1.
Variant type: single nucleotide variant.
Coding change: c.220G>A on transcript NM_000169.3 (MANE Select); coding-DNA position 220, G replaced by A.
Protein change: p.Glu74Lys; replaces glutamic acid 74 with lysine.
Molecular consequence: missense variant. On other transcripts: non-coding transcript variant (3), intron variant (2).
Genome position (GRCh38, 1-based): chrX:101,403,960, C>T on the plus strand (G>A on the coding strand, the complement: GLA is on the minus strand). VCF-style: chrX-101403960-C-T. GRCh37 (hg19) VCF-style: chrX-100658948-C-T.
Other names: c.343G>A, p.Glu115Lys (NM_001406747.1, NM_001406749.1); c.220G>A, p.Glu74Lys (NM_001406748.1); c.301-7976C>T (NM_001199973.2); c.178-7976C>T (NM_001199974.2); short protein forms E74K, E115K.
Identifiers: ClinVar variation 1311905 (VCV001311905.2), dbSNP rs2147480899, ClinGen allele CA413934375.